The following is an entry in ClinVar:

NM_003872.3(NRP2):c.1052A>T (p.Glu351Val)

Gene: NRP2 (neuropilin 2; plus strand). Cytogenetic location: 2q33.3.
Variant type: single nucleotide variant.
Coding change: c.1052A>T on transcript NM_003872.3 (MANE Select); coding-DNA position 1052, A replaced by T.
Protein change: p.Glu351Val; replaces glutamic acid 351 with valine.
Molecular consequence: missense variant.
Genome position (GRCh38, 1-based): chr2:205,727,952, A>T. VCF-style: chr2-205727952-A-T. GRCh37 (hg19) VCF-style: chr2-206592676-A-T.
Other names: c.1052A>T, p.Glu351Val (NM_018534.4, NM_201264.2, NM_201266.2 and 2 more transcripts); short protein forms E351V.
Identifiers: ClinVar variation 3353458 (VCV003353458.1).

ClinVar aggregate classification (germline): Uncertain significance (0 of 4 stars; one submission).

Conditions:
NRP2-related disorder. Also called: NRP2-related condition.

gnomAD v4.1: 2 of 1,614,062 alleles (0.00012%); highest among the groups gnomAD compares: African/African-American, 0.0027%; no homozygotes.

Submission:

PreventionGenetics, part of Exact Sciences
Classification: Uncertain significance for NRP2-related condition. Last evaluated: 2024-07-29. Review status: no assertion criteria provided. Collection method: clinical testing. Allele origin: germline.
Comment: The NRP2 c.1052A>T variant is predicted to result in the amino acid substitution p.Glu351Val. To our knowledge, this variant has not been reported in the literature or in a large population database, indicating this variant is rare. At this time, the clinical significance of this variant is uncertain due to the absence of conclusive functional and genetic evidence.